The following is an entry in ClinVar:

ClinVar aggregate classification (germline): Uncertain significance (1 of 4 stars; one submission).

Submission:

Mayo Clinic Laboratories, Mayo Clinic
Classification: Uncertain significance. Last evaluated: 2025-08-07. Review status: criteria provided, single submitter. Criteria: ACMG Guidelines, 2015. Collection method: clinical testing. Allele origin: germline. Observed: 1 variant allele.
Comment: BP4, PM2_supporting

NM_021830.5(TWNK):c.638G>A (p.Gly213Asp)

Gene: TWNK (twinkle mtDNA helicase; plus strand). Cytogenetic location: 10q24.31.
Variant type: single nucleotide variant.
Coding change: c.638G>A on transcript NM_021830.5 (MANE Select); coding-DNA position 638, G replaced by A.
Protein change: p.Gly213Asp; replaces glycine 213 with aspartic acid.
Molecular consequence: missense variant. On other transcripts: non-coding transcript variant (4), intron variant (3).
Genome position (GRCh38, 1-based): chr10:100,988,848, G>A. VCF-style: chr10-100988848-G-A. GRCh37 (hg19) VCF-style: chr10-102748605-G-A.
Other names: p.Gly213Asp; c.638G>A, p.Gly213Asp (NM_001163812.2); c.-119-796G>A (NM_001163814.2, NM_001163813.2); c.-57-858G>A (NM_001368275.1); short protein forms G213D.
Identifiers: ClinVar variation 4541575 (VCV004541575.1).